The following is an entry in ClinVar:

ClinVar aggregate classification (germline): Likely benign (1 of 4 stars; one submission).

Allele frequency attached by ClinVar (database versions not stated): ExAC 0.00001; gnomAD exomes 0.00001; TOPMed 0.00002; 1000 Genomes Project 0.00020; 1000 Genomes Project 30x 0.00031.
gnomAD v4.1: 19 of 1,612,458 alleles (0.0012%); highest among the groups gnomAD compares: South Asian, 0.0066%; no homozygotes.

Submission:

CeGaT Center for Human Genetics Tuebingen
Classification: Likely benign. Last evaluated: 2023-05-01. Review status: criteria provided, single submitter. Criteria: CeGaT Center For Human Genetics Tuebingen Variant Classification Criteria Version 2. Collection method: clinical testing. Allele origin: germline. Affected: yes. Observed: 1 variant allele.
Comment: CIC: BP4, BP7

NM_001386298.1(CIC):c.4824G>A (p.Ala1608=)

Gene: CIC (capicua transcriptional repressor; plus strand). Cytogenetic location: 19q13.2.
Variant type: single nucleotide variant.
Coding change: c.4824G>A on transcript NM_001386298.1 (MANE Select); coding-DNA position 4824, G replaced by A.
Protein change: p.Ala1608=; no amino-acid change (alanine 1608 retained).
Molecular consequence: synonymous variant.
Genome position (GRCh38, 1-based): chr19:42,290,865, G>A. VCF-style: chr19-42290865-G-A. GRCh37 (hg19) VCF-style: chr19-42795017-G-A.
Other names: c.4824G>A, p.Ala1608= (NM_001304815.2, NM_001379480.1, NM_001379482.1 and 1 more transcripts); c.2097G>A, p.Ala699= (NM_001379484.1, NM_001379485.1, NM_015125.5).
Identifiers: ClinVar variation 2649997 (VCV002649997.24), dbSNP rs200266764, ClinGen allele CA9472185.